The following is an entry in ClinVar:

NM_005548.3(KARS1):c.1207G>A (p.Ala403Thr)

Gene: KARS1 (lysyl-tRNA synthetase 1; minus strand). Cytogenetic location: 16q23.1.
Variant type: single nucleotide variant.
Coding change: c.1207G>A on transcript NM_005548.3 (MANE Select); coding-DNA position 1207, G replaced by A.
Protein change: p.Ala403Thr; replaces alanine 403 with threonine.
Molecular consequence: missense variant.
Genome position (GRCh38, 1-based): chr16:75,631,461, C>T on the plus strand (G>A on the coding strand, the complement: KARS1 is on the minus strand). VCF-style: chr16-75631461-C-T. GRCh37 (hg19) VCF-style: chr16-75665359-C-T.
Other names: c.1291G>A, p.Ala431Thr (NM_001130089.2); c.739G>A, p.Ala247Thr (NM_001378148.1); short protein forms A247T, A403T, A431T.
Identifiers: ClinVar variation 1682418 (VCV001682418.6), dbSNP rs2151802005, ClinGen allele CA396811670.

ClinVar aggregate classification (germline): Uncertain significance (1 of 4 stars; one submission).

Submission:

Labcorp Genetics (formerly Invitae), Labcorp
Classification: Uncertain significance. Last evaluated: 2023-08-10. Review status: criteria provided, single submitter. Criteria: Invitae Variant Classification Sherloc (09022015). Collection method: clinical testing. Allele origin: germline.
Comment: This variant is not present in population databases (gnomAD no frequency). In summary, the available evidence is currently insufficient to determine the role of this variant in disease. Therefore, it has been classified as a Variant of Uncertain Significance. Advanced modeling of protein sequence and biophysical properties (such as structural, functional, and spatial information, amino acid conservation, physicochemical variation, residue mobility, and thermodynamic stability) performed at Invitae indicates that this missense variant is not expected to disrupt KARS protein function. ClinVar contains an entry for this variant (Variation ID: 1682418). This variant has not been reported in the literature in individuals affected with KARS-related conditions. This sequence change replaces alanine, which is neutral and non-polar, with threonine, which is neutral and polar, at codon 431 of the KARS protein (p.Ala431Thr).